The following is an entry in ClinVar:

NM_000492.4(CFTR):c.2626G>C (p.Ala876Pro)

Gene: CFTR (CF transmembrane conductance regulator; plus strand). Cytogenetic location: 7q31.2.
Variant type: single nucleotide variant.
Coding change: c.2626G>C on transcript NM_000492.4 (MANE Select); coding-DNA position 2626, G replaced by C.
Protein change: p.Ala876Pro; replaces alanine 876 with proline.
Molecular consequence: missense variant.
Genome position (GRCh38, 1-based): chr7:117,602,832, G>C. VCF-style: chr7-117602832-G-C. GRCh37 (hg19) VCF-style: chr7-117242886-G-C.
Other names: short protein forms A876P.
Identifiers: ClinVar variation 3491605 (VCV003491605.1).

ClinVar aggregate classification (germline): Uncertain significance (1 of 4 stars; one submission).

Conditions:
Cystic fibrosis (CF). Also called: MUCOVISCIDOSIS. Identifiers: Orphanet 586, MedGen C0010674, MONDO:0009061, OMIM 219700. Disease mechanism: loss of function.

gnomAD v4.1: 2 of 1,613,826 alleles (0.00012%); highest among the groups gnomAD compares: East Asian, 0.0022%; no homozygotes.

Submission:

Ambry Genetics
Classification: Uncertain significance for Cystic fibrosis. Last evaluated: 2024-10-24. Review status: criteria provided, single submitter. Criteria: Ambry Variant Classification Scheme 2023. Collection method: clinical testing. Allele origin: germline.
Comment: The p.A876P variant (also known as c.2626G>C), located in coding exon 16 of the CFTR gene, results from a G to C substitution at nucleotide position 2626. The alanine at codon 876 is replaced by proline, an amino acid with highly similar properties. This amino acid position is conserved. In addition, the in silico prediction for this alteration is inconclusive. Based on the available evidence, the clinical significance of this variant remains unclear.